The following is an entry in ClinVar:

NM_001292063.2(OTOG):c.94+62G>A

Gene: OTOG (otogelin; plus strand). Cytogenetic location: 11p15.1.
Variant type: single nucleotide variant.
Coding change: c.94+62G>A on transcript NM_001292063.2 (MANE Select); 62 bases into the intron after coding-DNA position 94, G replaced by A.
Molecular consequence: intron variant. On other transcripts: missense variant (1).
Genome position (GRCh38, 1-based): chr11:17,547,528, G>A. VCF-style: chr11-17547528-G-A. GRCh37 (hg19) VCF-style: chr11-17569075-G-A.
Other names: c.156G>A, p.Met52Ile (NM_001277269.2); short protein forms M52I.
Identifiers: ClinVar variation 1710601 (VCV001710601.3), dbSNP rs1028266270, ClinGen allele CA218483603.

ClinVar aggregate classification (germline): Uncertain significance (1 of 4 stars; one submission).

Allele frequency attached by ClinVar (database versions not stated): gnomAD 0.00003; gnomAD exomes 0.00004; TOPMed 0.00005.
gnomAD v4.1: 54 of 1,294,594 alleles (0.0042%); highest among the groups gnomAD compares: Non-Finnish European, 0.0051%; no homozygotes.

Submission:

GeneDx
Classification: Uncertain significance. Last evaluated: 2025-09-11. Review status: criteria provided, single submitter. Criteria: GeneDx Variant Classification Process June 2021. Collection method: clinical testing. Allele origin: germline. Affected: yes.
Comment: Not observed at significant frequency in large population cohorts (gnomAD); In silico analysis suggests that this missense variant does not alter protein structure/function; Has not been previously published as pathogenic or benign to our knowledge